The following is an entry in ClinVar:

NM_032578.4(MYPN):c.1949del (p.Pro650fs)

Gene: MYPN (myopalladin; plus strand). Cytogenetic location: 10q21.3.
Variant type: Deletion.
Coding change: c.1949del on transcript NM_032578.4 (MANE Select); coding-DNA position 1949, one base deleted (C; older notation c.1949delC).
Protein change: p.Pro650fs; shifts the reading frame from proline 650.
Molecular consequence: frameshift variant. On other transcripts: non-coding transcript variant (2).
Genome position (GRCh38, 1-based): chr10:68,166,642, C deleted; the last of 5 consecutive C bases (chr10:68,166,638-68,166,642); deleting any one gives the same sequence. VCF-style (leftmost placement, unchanged base first): chr10-68166637-GC-G. GRCh37 (hg19) VCF-style: chr10-69926394-GC-G.
Other names: c.1949del, p.Pro650fs (NM_001256267.2); c.1067del, p.Pro356fs (NM_001256268.2); short protein forms P356fs, P650fs.
Identifiers: ClinVar variation 3916688 (VCV003916688.1).

ClinVar aggregate classification (germline): Pathogenic (1 of 4 stars; one submission).

Conditions:
Cardiovascular phenotype. Identifiers: MedGen CN230736.

Submission:

Ambry Genetics
Classification: Pathogenic for Cardiovascular phenotype. Last evaluated: 2025-04-18. Review status: criteria provided, single submitter. Criteria: Ambry Variant Classification Scheme 2023. Collection method: clinical testing. Allele origin: germline.
Comment: The c.1949delC pathogenic mutation, located in coding exon 9 of the MYPN gene, results from a deletion of one nucleotide at nucleotide position 1949, causing a translational frameshift with a predicted alternate stop codon (p.P650Lfs*43). This variant is considered to be rare based on population cohorts in the Genome Aggregation Database (gnomAD). This alteration is expected to result in loss of function by premature protein truncation or nonsense-mediated mRNA decay. As such, this alteration is interpreted as a disease-causing mutation.